The following is an entry in ClinVar:

NM_001130823.3(DNMT1):c.3677G>C (p.Arg1226Pro)

Gene: DNMT1 (DNA methyltransferase 1; minus strand). Cytogenetic location: 19p13.2.
Variant type: single nucleotide variant.
Coding change: c.3677G>C on transcript NM_001130823.3 (MANE Select); coding-DNA position 3677, G replaced by C.
Protein change: p.Arg1226Pro; replaces arginine 1226 with proline.
Molecular consequence: missense variant.
Genome position (GRCh38, 1-based): chr19:10,140,175, C>G on the plus strand (G>C on the coding strand, the complement: DNMT1 is on the minus strand). VCF-style: chr19-10140175-C-G. GRCh37 (hg19) VCF-style: chr19-10250851-C-G.
Other names: c.3629G>C, p.Arg1210Pro (NM_001318730.2, NM_001379.4); c.3314G>C, p.Arg1105Pro (NM_001318731.2); short protein forms R1210P, R1105P, R1226P.
Identifiers: ClinVar variation 2763148 (VCV002763148.3), dbSNP rs753205659, ClinGen allele CA403972962.

ClinVar aggregate classification (germline): Uncertain significance (1 of 4 stars; one submission).

Conditions:
Hereditary sensory neuropathy-deafness-dementia syndrome. Also called: HSN IE; Hereditary sensory neuropathy type IE; NEUROPATHY, HEREDITARY SENSORY, WITH HEARING LOSS AND DEMENTIA; Hereditary Sensory and Autonomic Neuropathy Type 1E (HSAN1E). Identifiers: Orphanet 456318, MedGen C3279885, MONDO:0013584, OMIM 614116.

Submission:

Labcorp Genetics (formerly Invitae), Labcorp
Classification: Uncertain significance for Hereditary sensory neuropathy-deafness-dementia syndrome. Last evaluated: 2023-06-03. Review status: criteria provided, single submitter. Criteria: Invitae Variant Classification Sherloc (09022015). Collection method: clinical testing. Allele origin: germline.
Comment: In summary, the available evidence is currently insufficient to determine the role of this variant in disease. Therefore, it has been classified as a Variant of Uncertain Significance. Advanced modeling of protein sequence and biophysical properties (such as structural, functional, and spatial information, amino acid conservation, physicochemical variation, residue mobility, and thermodynamic stability) performed at Invitae indicates that this missense variant is not expected to disrupt DNMT1 protein function. This variant has not been reported in the literature in individuals affected with DNMT1-related conditions. This variant is not present in population databases (gnomAD no frequency). This sequence change replaces arginine, which is basic and polar, with proline, which is neutral and non-polar, at codon 1226 of the DNMT1 protein (p.Arg1226Pro).